The following is an entry in ClinVar:

ClinVar aggregate classification (germline): Uncertain significance. Review status: criteria provided, multiple submitters, no conflicts (2 of 4 stars). 5 submissions from 5 submitters: Uncertain significance (4). 1 of the submissions does not count toward it. Last evaluated 2025-10-31.

Conditions:
Cardiovascular phenotype. Identifiers: MedGen CN230736.
Emery-Dreifuss muscular dystrophy (EDMD). Also called: Scapuloperoneal syndrome, X-linked (formerly); Humeroperoneal neuromuscular disease, (formerly). Identifiers: Orphanet 261, MedGen C0410189, MONDO:0016830.
X-linked Emery-Dreifuss muscular dystrophy. Also called: Muscular dystrophy, tardive Emery-Dreifuss type, with contractures. Identifiers: Orphanet 261, Orphanet 98863, MedGen C0751337, MONDO:0010680.
Emery-Dreifuss muscular dystrophy 1, X-linked (EDMD1). Also called: EMD-Related Emery-Dreifuss Muscular Dystrophy, X-Linked; SCAPULOPERONEAL SYNDROME, X-LINKED; HUMEROPERONEAL NEUROMUSCULAR DISEASE; Muscular dystrophy, tardive, Dreifuss-Emery type, with contractures. Identifiers: MedGen CN375556, MONDO:0100531, OMIM 310300.

Allele frequency attached by ClinVar (database versions not stated): gnomAD exomes below 0.00001; gnomAD 0.00003; TOPMed 0.00003.

Submissions (5):

Labcorp Genetics (formerly Invitae), Labcorp
Classification: Uncertain significance for X-linked Emery-Dreifuss muscular dystrophy. Last evaluated: 2025-10-31. Review status: criteria provided, single submitter. Criteria: Invitae Variant Classification Sherloc (09022015). Collection method: clinical testing. Allele origin: germline.
Comment: This sequence change replaces lysine, which is basic and polar, with methionine, which is neutral and non-polar, at codon 37 of the EMD protein (p.Lys37Met). This variant is not present in population databases (gnomAD no frequency). This variant has not been reported in the literature in individuals affected with EMD-related conditions. ClinVar contains an entry for this variant (Variation ID: 426553). Invitae Evidence Modeling of protein sequence and biophysical properties (such as structural, functional, and spatial information, amino acid conservation, physicochemical variation, residue mobility, and thermodynamic stability) indicates that this missense variant is expected to disrupt EMD protein function with a positive predictive value of 80%. In summary, the available evidence is currently insufficient to determine the role of this variant in disease. Therefore, it has been classified as a Variant of Uncertain Significance.

Ambry Genetics
Classification: Uncertain significance for Cardiovascular phenotype. Last evaluated: 2019-08-10. Review status: criteria provided, single submitter. Criteria: Ambry Variant Classification Scheme 2023. Collection method: clinical testing. Allele origin: germline.
Comment: The p.K37M variant (also known as c.110A>T), located in coding exon 2 of the EMD gene, results from an A to T substitution at nucleotide position 110. The lysine at codon 37 is replaced by methionine, an amino acid with similar properties. This amino acid position is highly conserved in available vertebrate species. In addition, the in silico prediction for this alteration is inconclusive. Since supporting evidence is limited at this time, the clinical significance of this alteration remains unclear.

GeneDx
Classification: Uncertain significance. Last evaluated: 2017-04-12. Review status: criteria provided, single submitter. Criteria: GeneDx Variant Classification (06012015). Collection method: clinical testing. Allele origin: germline. Affected: yes.
Comment: The K37M variant in the EMD gene has not been reported previously as a pathogenic variant, nor as a benign variant, to our knowledge. The XX variant is not observed in large population cohorts (Lek et al., 2016; 1000 Genomes Consortium et al., 2015; Exome Variant Server). The K37M variant is a non-conservative amino acid substitution, which is likely to impact secondary protein structure as these residues differ in polarity, charge, size and/or other properties. This substitution occurs at a position that is conserved in mammals. In silico analysis predicts this variant is probably damaging to the protein structure/function. We interpret K37M as a variant of uncertain significance.

Juno Genomics, Hangzhou Juno Genomics, Inc
Classification: Uncertain significance for Emery-Dreifuss muscular dystrophy 1, X-linked. Review status: criteria provided, single submitter. Criteria: ACMG Guidelines, 2015. Collection method: clinical testing. Allele origin: germline.
Comment: Absent from controls (or at extremely low frequency if recessive) in Genome Aggregation Database.

Natera, Inc.
Classification: Uncertain significance for Emery-Dreifuss muscular dystrophy. Last evaluated: 2020-12-29. Review status: no assertion criteria provided. Collection method: clinical testing. Allele origin: germline. Not counted in ClinVar's aggregate classification.

NM_000117.3(EMD):c.110A>T (p.Lys37Met)

Gene: EMD (emerin; plus strand). Cytogenetic location: Xq28.
Variant type: single nucleotide variant.
Coding change: c.110A>T on transcript NM_000117.3 (MANE Select); coding-DNA position 110, A replaced by T.
Protein change: p.Lys37Met; replaces lysine 37 with methionine.
Molecular consequence: missense variant.
Genome position (GRCh38, 1-based): chrX:154,379,717, A>T. VCF-style: chrX-154379717-A-T. GRCh37 (hg19) VCF-style: chrX-153608077-A-T.
Other names: short protein forms K37M.
Identifiers: ClinVar variation 426553 (VCV000426553.16), dbSNP rs1085307681, ClinGen allele CA415257383.